The following is an entry in ClinVar:

ClinVar aggregate classification (germline): Uncertain significance. Review status: criteria provided, multiple submitters, no conflicts (2 of 4 stars). 2 submissions from 2 submitters: Uncertain significance (2). Last evaluated 2023-02-28.

Conditions:
Inborn genetic diseases. Identifiers: MedGen C0950123, MeSH D030342.

Allele frequency attached by ClinVar (database versions not stated): ExAC 0.00007; gnomAD exomes 0.00008 and 0.00002; gnomAD 0.00001; TOPMed 0.00003.
gnomAD v4.1: 24 of 1,614,038 alleles (0.0015%); highest among the groups gnomAD compares: East Asian, 0.049%; no homozygotes.

Submissions (2):

Ambry Genetics
Classification: Uncertain significance for Inborn genetic diseases. Last evaluated: 2023-02-28. Review status: criteria provided, single submitter. Criteria: Ambry Variant Classification Scheme 2023. Collection method: clinical testing. Allele origin: germline.

Labcorp Genetics (formerly Invitae), Labcorp
Classification: Uncertain significance. Last evaluated: 2022-05-29. Review status: criteria provided, single submitter. Criteria: Invitae Variant Classification Sherloc (09022015). Collection method: clinical testing. Allele origin: germline.
Comment: In summary, the available evidence is currently insufficient to determine the role of this variant in disease. Therefore, it has been classified as a Variant of Uncertain Significance. Algorithms developed to predict the effect of missense changes on protein structure and function are either unavailable or do not agree on the potential impact of this missense change (SIFT: "Deleterious"; PolyPhen-2: "Probably Damaging"; Align-GVGD: "Class C0"). ClinVar contains an entry for this variant (Variation ID: 1499228). This variant has not been reported in the literature in individuals affected with SLC18A3-related conditions. This variant is present in population databases (rs765251455, gnomAD 0.1%). This sequence change replaces alanine, which is neutral and non-polar, with serine, which is neutral and polar, at codon 129 of the SLC18A3 protein (p.Ala129Ser).

NM_003055.3(SLC18A3):c.385G>T (p.Ala129Ser)

Genes: CHAT (choline O-acetyltransferase; plus strand), SLC18A3 (solute carrier family 18 member A3; plus strand). Cytogenetic location: 10q11.23.
Variant type: single nucleotide variant.
Coding change: c.385G>T on transcript NM_003055.3 (MANE Select); coding-DNA position 385, G replaced by T.
Protein change: p.Ala129Ser; replaces alanine 129 with serine.
Molecular consequence: missense variant. On other transcripts: intron variant (1).
Genome position (GRCh38, 1-based): chr10:49,611,125, G>T. VCF-style: chr10-49611125-G-T. GRCh37 (hg19) VCF-style: chr10-50819171-G-T.
Other names: c.-69+1926G>T (NM_020984.4); short protein forms A129S.
Identifiers: ClinVar variation 1499228 (VCV001499228.9), dbSNP rs765251455, ClinGen allele CA5496755.